The following is an entry in ClinVar:

NM_145207.3(AFG2A):c.1677C>T (p.Tyr559=)

Gene: AFG2A (AAA ATPase AFG2A; plus strand). Cytogenetic location: 4q28.1.
Variant type: single nucleotide variant.
Coding change: c.1677C>T on transcript NM_145207.3 (MANE Select); coding-DNA position 1677, C replaced by T.
Protein change: p.Tyr559=; no amino-acid change (tyrosine 559 retained).
Molecular consequence: synonymous variant.
Genome position (GRCh38, 1-based): chr4:122,947,451, C>T. VCF-style: chr4-122947451-C-T. GRCh37 (hg19) VCF-style: chr4-123868606-C-T.
Other names: c.1674C>T, p.Tyr558= (NM_001317799.2, NM_001345856.2).
Identifiers: ClinVar variation 542390 (VCV000542390.14), dbSNP rs139834687, ClinGen allele CA3070510.

ClinVar aggregate classification (germline): Likely benign. Review status: criteria provided, multiple submitters, no conflicts (2 of 4 stars). 5 submissions from 5 submitters: Likely benign (5). Last evaluated 2025-10-07.

Conditions:
AFG2A-related disorder. Also called: AFG2A-related condition.
Microcephaly-intellectual disability-sensorineural hearing loss-epilepsy-abnormal muscle tone syndrome (NEDHSB). Also called: NEURODEVELOPMENTAL DISORDER WITH HEARING LOSS, SEIZURES, AND BRAIN ABNORMALITIES. Identifiers: Orphanet 457351, MedGen C4225276, MONDO:0014698, OMIM 616577.

Allele frequency attached by ClinVar (database versions not stated): gnomAD 0.00003; 1000 Genomes Project 30x 0.00016; 1000 Genomes Project 0.00020; TOPMed 0.00023; ESP Exome Variant Server 0.00038.
gnomAD v4.1: 174 of 1,613,540 alleles (0.011%); highest among the groups gnomAD compares: Admixed American, 0.11%; 2 homozygotes.

Submissions (5):

PreventionGenetics, part of Exact Sciences
Classification: Likely benign for AFG2A-related condition. Last evaluated: 2025-10-07. Review status: criteria provided, single submitter. Criteria: ACMG Guidelines, 2015. Collection method: clinical testing. Allele origin: germline.
Comment: This variant is classified as likely benign based on ACMG/AMP sequence variant interpretation guidelines (Richards et al. 2015 PMID: 25741868, with internal and published modifications).

Labcorp Genetics (formerly Invitae), Labcorp
Classification: Likely benign for Microcephaly-intellectual disability-sensorineural hearing loss-epilepsy-abnormal muscle tone syndrome. Last evaluated: 2025-06-03. Review status: criteria provided, single submitter. Criteria: Invitae Variant Classification Sherloc (09022015). Collection method: clinical testing. Allele origin: germline.

Blueprint Genetics
Classification: Likely benign. Last evaluated: 2024-05-08. Review status: criteria provided, single submitter. Criteria: ACMG Guidelines, 2015. Collection method: clinical testing. Allele origin: germline.

GeneDx
Classification: Likely benign. Last evaluated: 2021-07-30. Review status: criteria provided, single submitter. Criteria: GeneDx Variant Classification Process June 2021. Collection method: clinical testing. Allele origin: germline. Affected: yes.

Athena Diagnostics
Classification: Likely benign. Last evaluated: 2018-11-06. Review status: criteria provided, single submitter. Criteria: Athena Diagnostics Criteria. Collection method: clinical testing. Allele origin: germline.